The following is an entry in ClinVar:

ClinVar aggregate classification (germline): Likely pathogenic. Review status: criteria provided, multiple submitters, no conflicts (2 of 4 stars). 3 submissions from 3 submitters: Likely pathogenic (2). 1 of the submissions does not count toward it. Last evaluated 2023-05-09.

Conditions:
TUBA4A-related disorder. Also called: TUBA4A-related condition.
Amyotrophic lateral sclerosis type 22 (FTDALS9). Also called: FRONTOTEMPORAL DEMENTIA AND/OR AMYOTROPHIC LATERAL SCLEROSIS 9; Amyotrophic lateral sclerosis 22 with or without frontotemporal dementia. Identifiers: Orphanet 803, MedGen C4015512, MONDO:0014531, OMIM 616208.

Allele frequency attached by ClinVar (database versions not stated): ExAC 0.00002; gnomAD exomes 0.00001 and below 0.00001; gnomAD 0.00001; TOPMed 0.00001.
gnomAD v4.1: 8 of 1,614,118 alleles (0.0005%); highest among the groups gnomAD compares: East Asian, 0.0022%; no homozygotes.

Submissions (3):

GeneDx
Classification: Likely pathogenic. Last evaluated: 2023-05-09. Review status: criteria provided, single submitter. Criteria: GeneDx Variant Classification Process June 2021. Collection method: clinical testing. Allele origin: germline. Affected: yes.
Comment: In silico analysis supports that this missense variant has a deleterious effect on protein structure/function; Published functional studies demonstrate a damaging effect on protein binding (Smith et al., 214; Ganne et al., 2023); This variant is associated with the following publications: (PMID: 26465396, 31585128, 31574570, 28412269, 25374358, 33378215, 34830115, 34169147, 36747013)

Blueprint Genetics
Classification: Likely pathogenic for TUBA4A-related disorders. Last evaluated: 2020-03-06. Review status: criteria provided, single submitter. Criteria: ACMG Guidelines, 2015. Collection method: clinical testing. Allele origin: germline. Affected: yes. Observed: 1 variant allele.

OMIM
Classification: Pathogenic for FRONTOTEMPORAL DEMENTIA AND/OR AMYOTROPHIC LATERAL SCLEROSIS 9. Last evaluated: 2014-10-22. Review status: no assertion criteria provided. Collection method: literature only. Allele origin: germline. Not counted in ClinVar's aggregate classification.

Literature cited by the submitters: PubMed 25374358 (cited by OMIM).

NM_006000.3(TUBA4A):c.958C>T (p.Arg320Cys)

Gene: TUBA4A (tubulin alpha 4a; minus strand). Cytogenetic location: 2q35.
Variant type: single nucleotide variant.
Coding change: c.958C>T on transcript NM_006000.3 (MANE Select); coding-DNA position 958, C replaced by T.
Protein change: p.Arg320Cys; replaces arginine 320 with cysteine.
Molecular consequence: missense variant.
Genome position (GRCh38, 1-based): chr2:219,250,741, G>A on the plus strand (C>T on the coding strand, the complement: TUBA4A is on the minus strand). VCF-style: chr2-219250741-G-A. GRCh37 (hg19) VCF-style: chr2-220115463-G-A.
Other names: c.913C>T, p.Arg305Cys (NM_001278552.2); short protein forms R320C, R305C.
Identifiers: ClinVar variation 180182 (VCV000180182.5), dbSNP rs730880025, ClinGen allele CA185899.